The following is an entry in ClinVar:

ClinVar aggregate classification (germline): Uncertain significance (1 of 4 stars; one submission).

Submission:

GeneDx
Classification: Uncertain significance. Last evaluated: 2024-08-05. Review status: criteria provided, single submitter. Criteria: GeneDx Variant Classification Process June 2021. Collection method: clinical testing. Allele origin: germline. Affected: yes.
Comment: Not observed at significant frequency in large population cohorts (gnomAD); In silico analysis supports that this missense variant has a deleterious effect on protein structure/function; Has not been previously published as pathogenic or benign to our knowledge

NM_001904.4(CTNNB1):c.560C>G (p.Ala187Gly)

Genes: CTNNB1 (catenin beta 1; plus strand), LOC126806658 (BRD4-independent group 4 enhancer GRCh37_chr3:41265899-41267098; plus strand). Cytogenetic location: 3p22.1.
Variant type: single nucleotide variant.
Coding change: c.560C>G on transcript NM_001904.4 (MANE Select); coding-DNA position 560, C replaced by G.
Protein change: p.Ala187Gly; replaces alanine 187 with glycine.
Molecular consequence: missense variant.
Genome position (GRCh38, 1-based): chr3:41,225,398, C>G. VCF-style: chr3-41225398-C-G. GRCh37 (hg19) VCF-style: chr3-41266889-C-G.
Other names: c.560C>G, p.Ala187Gly (NM_001098209.2, NM_001098210.2); c.539C>G, p.Ala180Gly (NM_001330729.2); short protein forms A180G, A187G.
Identifiers: ClinVar variation 3603182 (VCV003603182.1).